The following is an entry in ClinVar:

NM_004074.3(COX8A):c.111C>A (p.Ile37=)

Genes: COX8A (cytochrome c oxidase subunit 8A; plus strand), LOC130005904 (ATAC-STARR-seq lymphoblastoid active region 4880; plus strand). Cytogenetic location: 11q13.1.
Variant type: single nucleotide variant.
Coding change: c.111C>A on transcript NM_004074.3 (MANE Select); coding-DNA position 111, C replaced by A.
Protein change: p.Ile37=; no amino-acid change (isoleucine 37 retained).
Molecular consequence: synonymous variant.
Genome position (GRCh38, 1-based): chr11:63,974,791, C>A. VCF-style: chr11-63974791-C-A. GRCh37 (hg19) VCF-style: chr11-63742263-C-A.
Identifiers: ClinVar variation 709505 (VCV000709505.46), dbSNP rs61759492, ClinGen allele CA6066732.

ClinVar aggregate classification (germline): Benign/Likely benign. Review status: criteria provided, multiple submitters, no conflicts (2 of 4 stars). 5 submissions from 5 submitters: Benign (3); Likely benign (2). Last evaluated 2026-09-01.

Conditions:
Mitochondrial complex IV deficiency, nuclear type 15. Also called: Mitochondrial complex 4 deficiency, nuclear type 15. Identifiers: MedGen C5436712, MONDO:0033650, OMIM 619059.

Allele frequency attached by ClinVar (database versions not stated): 1000 Genomes Project 30x 0.00156; 1000 Genomes Project 0.00200; ESP Exome Variant Server 0.00447; TOPMed 0.00475; gnomAD 0.00525.
gnomAD v4.1: 11,343 of 1,601,624 alleles (0.71%); highest among the groups gnomAD compares: Non-Finnish European, 0.86%; 43 homozygotes.

Submissions (5):

CeGaT Center for Human Genetics Tuebingen
Classification: Likely benign. Last evaluated: 2026-09-01. Review status: criteria provided, single submitter. Criteria: CeGaT Center For Human Genetics Tuebingen Variant Classification Criteria Version 2. Collection method: clinical testing. Allele origin: germline. Affected: yes. Observed: 14 variant alleles.
Comment: COX8A: BP4, BP7, BS2

Labcorp Genetics (formerly Invitae), Labcorp
Classification: Benign. Last evaluated: 2026-02-01. Review status: criteria provided, single submitter. Criteria: Invitae Variant Classification Sherloc (09022015). Collection method: clinical testing. Allele origin: germline.

Fulgent Genetics
Classification: Benign for Mitochondrial complex IV deficiency, nuclear type 15. Last evaluated: 2021-07-20. Review status: criteria provided, single submitter. Criteria: ACMG Guidelines, 2015. Collection method: clinical testing. Allele origin: unknown.

GeneDx
Classification: Benign. Last evaluated: 2018-07-26. Review status: criteria provided, single submitter. Criteria: GeneDx Variant Classification Process June 2021. Collection method: clinical testing. Allele origin: germline. Affected: yes.

Breakthrough Genomics
Classification: Likely benign. Review status: criteria provided, single submitter. Criteria: ACMG Guidelines, 2015. Collection method: not provided. Allele origin: germline. Inheritance: Autosomal recessive inheritance. Affected: yes.